The following is an entry in ClinVar:

NM_016006.6(ABHD5):c.773+28TG[24]

Gene: ABHD5 (abhydrolase domain containing 5, lysophosphatidic acid acyltransferase; plus strand). Cytogenetic location: 3p21.33.
Variant type: Microsatellite.
Coding change: c.773+28TG[24] on transcript NM_016006.6 (MANE Select); 24 copies in a row of the 2-base unit TG starting at c.773+28.
Molecular consequence: intron variant.
Genome position: GRCh38 VCF-style: chr3-43715085-C-CTGTGTGTGTGTGTG. GRCh37 (hg19) VCF-style: chr3-43756577-C-CTGTGTGTGTGTGTG.
Other names: p.?; c.773+49_773+62dup (NM_016006.6); c.773+28TG[24] (NM_001365650.1, NM_001355186.2); c.650+28TG[24] (NM_001365649.1).
Identifiers: ClinVar variation 4684688 (VCV004684688.1).

ClinVar aggregate classification (germline): Likely benign (1 of 4 stars; one submission).

Submission:

Mayo Clinic Laboratories, Mayo Clinic
Classification: Likely benign. Last evaluated: 2023-12-18. Review status: criteria provided, single submitter. Criteria: ACMG Guidelines, 2015. Collection method: clinical testing. Allele origin: germline. Observed: 3 variant alleles.
Comment: BP4, BP7